The following is an entry in ClinVar:

NM_001042492.3(NF1):c.6549G>A (p.Arg2183=)

Gene: NF1 (neurofibromin 1; plus strand). Cytogenetic location: 17q11.2.
Variant type: single nucleotide variant.
Coding change: c.6549G>A on transcript NM_001042492.3 (MANE Select); coding-DNA position 6549, G replaced by A.
Protein change: p.Arg2183=; no amino-acid change (arginine 2183 retained).
Molecular consequence: synonymous variant.
Genome position (GRCh38, 1-based): chr17:31,337,489, G>A. VCF-style: chr17-31337489-G-A. GRCh37 (hg19) VCF-style: chr17-29664507-G-A.
Other names: c.6486G>A, p.Arg2162= (NM_000267.4).
Identifiers: ClinVar variation 413014 (VCV000413014.55), dbSNP rs1028183407, ClinGen allele CA16615306.

ClinVar aggregate classification (germline): Likely benign. Review status: criteria provided, multiple submitters, no conflicts (2 of 4 stars). 5 submissions from 5 submitters: Likely benign (5). Last evaluated 2025-10-29.

Conditions:
Hereditary cancer-predisposing syndrome. Also called: Tumor predisposition; Neoplastic Syndromes, Hereditary; Hereditary Cancer Syndrome; Hereditary neoplastic syndrome. Identifiers: Orphanet 140162, MedGen C0027672, MeSH D009386, MONDO:0015356.
Cardiovascular phenotype. Identifiers: MedGen CN230736.
Neurofibromatosis, type 1 (NF1). Also called: NEUROFIBROMATOSIS, TYPE I, SOMATIC; Peripheral type neurofibromatosis; Neurofibromatosis, type I; VON RECKLINGHAUSEN DISEASE. Identifiers: Orphanet 636, MedGen C0027831, MONDO:0018975, OMIM 162200. Disease mechanism: loss of function.

Allele frequency attached by ClinVar (database versions not stated): gnomAD exomes below 0.00001; gnomAD 0.00001; TOPMed 0.00001.
gnomAD v4.1: 4 of 1,613,954 alleles (0.00025%); highest among the groups gnomAD compares: African/African-American, 0.004%; no homozygotes.

Submissions (5):

Labcorp Genetics (formerly Invitae), Labcorp
Classification: Likely benign for Neurofibromatosis, type 1. Last evaluated: 2025-10-29. Review status: criteria provided, single submitter. Criteria: Invitae Variant Classification Sherloc (09022015). Collection method: clinical testing. Allele origin: germline.

Ambry Genetics
Classification: Likely benign for Cardiovascular phenotype; Hereditary cancer-predisposing syndrome. Last evaluated: 2024-10-06. Review status: criteria provided, single submitter. Criteria: Ambry Variant Classification Scheme 2023. Collection method: clinical testing. Allele origin: germline.

Women's Health and Genetics/Laboratory Corporation of America, LabCorp
Classification: Likely benign. Last evaluated: 2024-07-28. Review status: criteria provided, single submitter. Criteria: LabCorp Variant Classification Summary - May 2015. Collection method: clinical testing. Allele origin: germline.

Genome-Nilou Lab
Classification: Likely benign for Neurofibromatosis, type 1. Last evaluated: 2022-03-15. Review status: criteria provided, single submitter. Criteria: ACMG Guidelines, 2015. Collection method: clinical testing. Allele origin: germline. Affected: no.

GeneDx
Classification: Likely benign. Last evaluated: 2017-04-24. Review status: criteria provided, single submitter. Criteria: GeneDx Variant Classification (06012015). Collection method: clinical testing. Allele origin: germline. Affected: yes.
Comment: This variant is considered likely benign or benign based on one or more of the following criteria: it is a conservative change, it occurs at a poorly conserved position in the protein, it is predicted to be benign by multiple in silico algorithms, and/or has population frequency not consistent with disease.